The following is an entry in ClinVar:

ClinVar aggregate classification (germline): Uncertain significance (1 of 4 stars; one submission).

Submission:

GeneDx
Classification: Uncertain significance. Last evaluated: 2023-02-21. Review status: criteria provided, single submitter. Criteria: GeneDx Variant Classification Process June 2021. Collection method: clinical testing. Allele origin: germline. Affected: yes.
Comment: Not observed at significant frequency in large population cohorts (gnomAD); In silico analysis supports that this missense variant does not alter protein structure/function; Has not been previously published as pathogenic or benign to our knowledge

NM_032217.5(ANKRD17):c.7157A>G (p.Asn2386Ser)

Gene: ANKRD17 (ankyrin repeat domain 17; minus strand). Cytogenetic location: 4q13.3.
Variant type: single nucleotide variant.
Coding change: c.7157A>G on transcript NM_032217.5 (MANE Select); coding-DNA position 7157, A replaced by G.
Protein change: p.Asn2386Ser; replaces asparagine 2386 with serine.
Molecular consequence: missense variant.
Genome position (GRCh38, 1-based): chr4:73,085,251, T>C on the plus strand (A>G on the coding strand, the complement: ANKRD17 is on the minus strand). VCF-style: chr4-73085251-T-C. GRCh37 (hg19) VCF-style: chr4-73950968-T-C.
Other names: c.6818A>G, p.Asn2273Ser (NM_001286771.3); c.7154A>G, p.Asn2385Ser (NM_015574.2); c.6404A>G, p.Asn2135Ser (NM_198889.3); short protein forms N2135S, N2273S, N2385S, N2386S.
Identifiers: ClinVar variation 2576725 (VCV002576725.1), dbSNP rs2530093802, ClinGen allele CA357208146.